The following is an entry in ClinVar:

NM_178822.5(IGSF10):c.4146C>T (p.Ala1382=)

Gene: IGSF10 (immunoglobulin superfamily member 10; minus strand). Cytogenetic location: 3q25.1.
Variant type: single nucleotide variant.
Coding change: c.4146C>T on transcript NM_178822.5 (MANE Select); coding-DNA position 4146, C replaced by T.
Protein change: p.Ala1382=; no amino-acid change (alanine 1382 retained).
Molecular consequence: synonymous variant.
Genome position (GRCh38, 1-based): chr3:151,445,835, G>A on the plus strand (C>T on the coding strand, the complement: IGSF10 is on the minus strand). VCF-style: chr3-151445835-G-A. GRCh37 (hg19) VCF-style: chr3-151163623-G-A.
Other names: c.4146C>T, p.Ala1382= (NM_001385060.1, NM_001385061.1, NM_001385062.1 and 1 more transcripts).
Identifiers: ClinVar variation 773451 (VCV000773451.35), dbSNP rs139390686, ClinGen allele CA2670020.

ClinVar aggregate classification (germline): Benign. Review status: criteria provided, multiple submitters, no conflicts (2 of 4 stars). 4 submissions from 4 submitters: Benign (3). 1 of the submissions does not count toward it. Last evaluated 2026-01-28.

Conditions:
IGSF10-related disorder. Also called: IGSF10-related condition.

Allele frequency attached by ClinVar (database versions not stated): 1000 Genomes Project 0.00379; 1000 Genomes Project 30x 0.00390; ExAC 0.00733; gnomAD exomes 0.00781; gnomAD 0.00836 and 0.00860; TOPMed 0.00898; ESP Exome Variant Server 0.00946.
gnomAD v4.1: 18,435 of 1,614,140 alleles (1.1%); highest among the groups gnomAD compares: Middle Eastern, 1.5%; 129 homozygotes.

Submissions (4):

Labcorp Genetics (formerly Invitae), Labcorp
Classification: Benign. Last evaluated: 2026-01-28. Review status: criteria provided, single submitter. Criteria: Invitae Variant Classification Sherloc (09022015). Collection method: clinical testing. Allele origin: germline.

CeGaT Center for Human Genetics Tuebingen
Classification: Benign. Last evaluated: 2026-01-01. Review status: criteria provided, single submitter. Criteria: CeGaT Center For Human Genetics Tuebingen Variant Classification Criteria Version 2. Collection method: clinical testing. Allele origin: germline. Affected: yes. Observed: 4 variant alleles.
Comment: IGSF10: BP4, BP7, BS1, BS2

Breakthrough Genomics
Classification: Benign. Review status: criteria provided, single submitter. Criteria: ACMG Guidelines, 2015. Collection method: not provided. Allele origin: germline. Inheritance: Unknown mechanism. Affected: yes.

PreventionGenetics, part of Exact Sciences
Classification: Likely benign for IGSF10-related condition. Last evaluated: 2019-03-08. Review status: no assertion criteria provided. Collection method: clinical testing. Allele origin: germline. Not counted in ClinVar's aggregate classification.
Comment: This variant is classified as likely benign based on ACMG/AMP sequence variant interpretation guidelines (Richards et al. 2015 PMID: 25741868, with internal and published modifications).